The following is an entry in ClinVar:

ClinVar aggregate classification (germline): Benign. Review status: criteria provided, multiple submitters, no conflicts (2 of 4 stars). 2 submissions from 2 submitters: Benign (2). Last evaluated 2026-07-01.

Allele frequency attached by ClinVar (database versions not stated): TOPMed 0.00652; gnomAD 0.00706; gnomAD exomes 0.00945; ExAC 0.01205; 1000 Genomes Project 30x 0.01702; 1000 Genomes Project 0.01797; ESP Exome Variant Server 0.00548.
gnomAD v4.1: 14,985 of 1,613,786 alleles (0.93%); highest among the groups gnomAD compares: South Asian, 4.6%; 192 homozygotes.

Submissions (2):

CeGaT Center for Human Genetics Tuebingen
Classification: Benign. Last evaluated: 2026-07-01. Review status: criteria provided, single submitter. Criteria: CeGaT Center For Human Genetics Tuebingen Variant Classification Criteria Version 2. Collection method: clinical testing. Allele origin: germline. Affected: yes. Observed: 4 variant alleles.
Comment: CLTCL1: BP4, BS1, BS2

Mayo Clinic Laboratories, Mayo Clinic
Classification: Benign. Last evaluated: 2023-04-03. Review status: criteria provided, single submitter. Criteria: ACMG Guidelines, 2015. Collection method: clinical testing. Allele origin: germline. Observed: 13 variant alleles.
Comment: BS1, BS2, BP4

NM_007098.4(CLTCL1):c.4859G>A (p.Arg1620His)

Gene: CLTCL1 (clathrin heavy chain like 1; minus strand). Cytogenetic location: 22q11.21.
Variant type: single nucleotide variant.
Coding change: c.4859G>A on transcript NM_007098.4 (MANE Select); coding-DNA position 4859, G replaced by A.
Protein change: p.Arg1620His; replaces arginine 1620 with histidine.
Molecular consequence: missense variant.
Genome position (GRCh38, 1-based): chr22:19,180,775, C>T on the plus strand (G>A on the coding strand, the complement: CLTCL1 is on the minus strand). VCF-style: chr22-19180775-C-T. GRCh37 (hg19) VCF-style: chr22-19168288-C-T.
Other names: p.Arg1620His; c.4688G>A, p.Arg1563His (NM_001835.4); short protein forms R1563H, R1620H.
Identifiers: ClinVar variation 2652855 (VCV002652855.25), dbSNP rs5748024, ClinGen allele CA10097598.
Genomic context (GRCh38, chr22:19,180,775, plus strand): 5'-TACAGGTGCCACCTACCAAACACGAGAGGGGCAGGCTCTGTCACATGCTCCTCTTGCTTG[C>T]GCAGACTCTCCAAGGCATCCAGTTTGTCCACCTGCAAGGAGGCAAAAGCACGTGAGCACC-3'
Protein context (NP_009029.3, residues 1610-1630): VDKLDALESL[Arg1620His]KQEEHVTEPA